The following is an entry in ClinVar:

ClinVar aggregate classification (germline): Uncertain significance. Review status: criteria provided, single submitter (1 of 4 stars). 2 submissions from 2 submitters: Uncertain significance (1). 1 of the submissions does not count toward it. Last evaluated 2025-07-03.

Conditions:
COL4A3-related disorder. Also called: COL4A3-related condition; COL4A3-Related Disorders.

Allele frequency attached by ClinVar (database versions not stated): gnomAD 0.00001; gnomAD exomes 0.00001; TOPMed 0.00001; ExAC 0.00002.
gnomAD v4.1: 11 of 1,609,238 alleles (0.00068%); highest among the groups gnomAD compares: Admixed American, 0.018%; no homozygotes.

Submissions (2):

Women's Health and Genetics/Laboratory Corporation of America, LabCorp
Classification: Uncertain significance. Last evaluated: 2025-07-03. Review status: criteria provided, single submitter. Criteria: LabCorp Variant Classification Summary - May 2015. Collection method: clinical testing. Allele origin: germline.

PreventionGenetics, part of Exact Sciences
Classification: Likely benign for COL4A3-related condition. Last evaluated: 2020-12-09. Review status: no assertion criteria provided. Collection method: clinical testing. Allele origin: germline. Not counted in ClinVar's aggregate classification.
Comment: This variant is classified as likely benign based on ACMG/AMP sequence variant interpretation guidelines (Richards et al. 2015 PMID: 25741868, with internal and published modifications).

NM_000091.5(COL4A3):c.1504+4C>A

Genes: COL4A3 (collagen type IV alpha 3 chain; plus strand), MFF-DT (MFF divergent transcript; minus strand). Cytogenetic location: 2q36.3.
Variant type: single nucleotide variant.
Coding change: c.1504+4C>A on transcript NM_000091.5 (MANE Select); 4 bases into the intron after coding-DNA position 1504, C replaced by A.
Molecular consequence: intron variant.
Genome position (GRCh38, 1-based): chr2:227,267,092, C>A. VCF-style: chr2-227267092-C-A. GRCh37 (hg19) VCF-style: chr2-228131808-C-A.
Identifiers: ClinVar variation 3030168 (VCV003030168.4), dbSNP rs773376814, ClinGen allele CA2146670.